The following is an entry in ClinVar:

ClinVar aggregate classification (germline): Pathogenic (1 of 4 stars; one submission).

Conditions:
beta Thalassemia (BTHAL). Also called: Cooley's anemia; Erythroblastic anemia; Mediterranean anemia. Identifiers: Orphanet 848, MedGen C0005283, MONDO:0019402. Disease mechanism: loss of function.

Submission:

Women's Health and Genetics/Laboratory Corporation of America, LabCorp
Classification: Pathogenic for beta Thalassemia. Last evaluated: 2025-01-21. Review status: criteria provided, single submitter. Criteria: LabCorp Variant Classification Summary - May 2015. Collection method: clinical testing. Allele origin: germline.
Comment: Variant summary: The variant involves the deletion of exons 1-3 in the HBB gene. A presumed nomenclature of c.(?_-51)_(*135_?)del has been designated for the purposes of this classification. This deletion includes the entire coding sequence of the gene. As the exact proximal and distal breakpoints are unknown, it may extend beyond the annotated region of the gene to include other flanking genes. Loss-of-function variants in HBB are known to be pathogenic. The variant allele was found at a frequency of 9.2e-05 in 21694 control chromosomes. c.(?_-51)_(*135_?)del has been reported in the literature in the compound heterozygous state in at least one individual affected with Beta Thalassemia (e.g. Eng_1993). The following publication have been ascertained in the context of this evaluation (PMID: 8257991). ClinVar contains an entry for this variant (Variation ID: 3244732). Based on the evidence outlined above, the variant was classified as pathogenic.

Literature cited by the submitters: PubMed 8257991.

NC_000011.9:g.(?_5246693)_(5248302_?)del

Gene: HBB (hemoglobin subunit beta; minus strand). Cytogenetic location: 11p15.4.
Variant type: Deletion.
Identifiers: ClinVar variation 3769508 (VCV003769508.2).